The following is an entry in ClinVar:

NM_012238.5(SIRT1):c.1231A>G (p.Ile411Val)

Gene: SIRT1 (sirtuin 1; plus strand). Cytogenetic location: 10q21.3.
Variant type: single nucleotide variant.
Coding change: c.1231A>G on transcript NM_012238.5 (MANE Select); coding-DNA position 1231, A replaced by G.
Protein change: p.Ile411Val; replaces isoleucine 411 with valine.
Molecular consequence: missense variant.
Genome position (GRCh38, 1-based): chr10:67,909,316, A>G. VCF-style: chr10-67909316-A-G. GRCh37 (hg19) VCF-style: chr10-69669073-A-G.
Other names: c.346A>G, p.Ile116Val (NM_001142498.2); c.322A>G, p.Ile108Val (NM_001314049.2); short protein forms I116V, I108V, I411V.
Identifiers: ClinVar variation 2988018 (VCV002988018.3), dbSNP rs149206117, ClinGen allele CA5521240.

ClinVar aggregate classification (germline): Uncertain significance (1 of 4 stars; one submission).

Allele frequency attached by ClinVar (database versions not stated): gnomAD exomes below 0.00001; TOPMed below 0.00001; ExAC 0.00001; ESP Exome Variant Server 0.00008.
gnomAD v4.1: 3 of 1,613,348 alleles (0.00019%); highest among the groups gnomAD compares: Non-Finnish European, 0.00025%; no homozygotes.

Submission:

Labcorp Genetics (formerly Invitae), Labcorp
Classification: Uncertain significance. Last evaluated: 2023-04-09. Review status: criteria provided, single submitter. Criteria: Invitae Variant Classification Sherloc (09022015). Collection method: clinical testing. Allele origin: germline.
Comment: This sequence change replaces isoleucine, which is neutral and non-polar, with valine, which is neutral and non-polar, at codon 411 of the SIRT1 protein (p.Ile411Val). In summary, the available evidence is currently insufficient to determine the role of this variant in disease. Therefore, it has been classified as a Variant of Uncertain Significance. An algorithm developed to predict the effect of missense changes on protein structure and function (PolyPhen-2) suggests that this variant is likely to be disruptive. This variant has not been reported in the literature in individuals affected with SIRT1-related conditions. This variant is present in population databases (rs149206117, gnomAD 0.0009%).